The following is an entry in ClinVar:

NM_000254.3(MTR):c.1266A>G (p.Leu422=)

Gene: MTR (5-methyltetrahydrofolate-homocysteine methyltransferase; plus strand). Cytogenetic location: 1q43.
Variant type: single nucleotide variant.
Coding change: c.1266A>G on transcript NM_000254.3 (MANE Select); coding-DNA position 1266, A replaced by G.
Protein change: p.Leu422=; no amino-acid change (leucine 422 retained).
Molecular consequence: synonymous variant.
Genome position (GRCh38, 1-based): chr1:236,835,624, A>G. VCF-style: chr1-236835624-A-G. GRCh37 (hg19) VCF-style: chr1-236998924-A-G.
Other names: c.1266A>G, p.Leu422= (NM_001291939.1); c.45A>G, p.Leu15= (NM_001291940.2).
Identifiers: ClinVar variation 515764 (VCV000515764.4), dbSNP rs984927112, ClinGen allele CA39753843.

ClinVar aggregate classification (germline): Likely benign. Review status: criteria provided, multiple submitters, no conflicts (2 of 4 stars). 2 submissions from 2 submitters: Likely benign (2). Last evaluated 2024-02-10.

Conditions:
Methylcobalamin deficiency type cblG (HMAG). Also called: HOMOCYSTINURIA-MEGALOBLASTIC ANEMIA, cblG TYPE; Functional methionine synthase deficiency type cblG; HOMOCYSTINURIA-MEGALOBLASTIC ANEMIA DUE TO DEFECT IN COBALAMIN METABOLISM, cblG COMPLEMENTATION TYPE; HOMOCYSTINURIA-MEGALOBLASTIC ANEMIA, cblG COMPLEMENTATION TYPE. Identifiers: Orphanet 2170, Orphanet 622, MedGen C1855128, MONDO:0009609, OMIM 250940.

Allele frequency attached by ClinVar (database versions not stated): gnomAD 0.00001; TOPMed 0.00001.
gnomAD v4.1: 4 of 1,610,738 alleles (0.00025%); highest among the groups gnomAD compares: Admixed American, 0.0017%; no homozygotes.

Submissions (2):

Labcorp Genetics (formerly Invitae), Labcorp
Classification: Likely benign for Methylcobalamin deficiency type cblG. Last evaluated: 2024-02-10. Review status: criteria provided, single submitter. Criteria: Invitae Variant Classification Sherloc (09022015). Collection method: clinical testing. Allele origin: germline.

GeneDx
Classification: Likely benign. Last evaluated: 2018-03-02. Review status: criteria provided, single submitter. Criteria: GeneDx Variant Classification (06012015). Collection method: clinical testing. Allele origin: germline. Affected: yes.
Comment: This variant is considered likely benign or benign based on one or more of the following criteria: it is a conservative change, it occurs at a poorly conserved position in the protein, it is predicted to be benign by multiple in silico algorithms, and/or has population frequency not consistent with disease.